The following is an entry in ClinVar:

ClinVar aggregate classification (germline): Uncertain significance (1 of 4 stars; one submission).

Allele frequency attached by ClinVar (database versions not stated): gnomAD exomes 0.00002; ExAC 0.00002; gnomAD 0.00001; TOPMed 0.00002.
gnomAD v4.1: 32 of 1,613,698 alleles (0.002%); highest among the groups gnomAD compares: Admixed American, 0.0067%; no homozygotes.

Submission:

Labcorp Genetics (formerly Invitae), Labcorp
Classification: Uncertain significance. Last evaluated: 2023-07-07. Review status: criteria provided, single submitter. Criteria: Invitae Variant Classification Sherloc (09022015). Collection method: clinical testing. Allele origin: germline.
Comment: This sequence change replaces glycine, which is neutral and non-polar, with arginine, which is basic and polar, at codon 4100 of the HSPG2 protein (p.Gly4100Arg). This variant is present in population databases (rs753218269, gnomAD 0.01%). This variant has not been reported in the literature in individuals affected with HSPG2-related conditions. ClinVar contains an entry for this variant (Variation ID: 1521352). An algorithm developed to predict the effect of missense changes on protein structure and function (PolyPhen-2) suggests that this variant is likely to be disruptive. In summary, the available evidence is currently insufficient to determine the role of this variant in disease. Therefore, it has been classified as a Variant of Uncertain Significance.

NM_005529.7(HSPG2):c.12298G>A (p.Gly4100Arg)

Gene: HSPG2 (heparan sulfate proteoglycan 2; minus strand). Cytogenetic location: 1p36.12.
Variant type: single nucleotide variant.
Coding change: c.12298G>A on transcript NM_005529.7 (MANE Select); coding-DNA position 12298, G replaced by A.
Protein change: p.Gly4100Arg; replaces glycine 4100 with arginine.
Molecular consequence: missense variant.
Genome position (GRCh38, 1-based): chr1:21,828,366, C>T on the plus strand (G>A on the coding strand, the complement: HSPG2 is on the minus strand). VCF-style: chr1-21828366-C-T. GRCh37 (hg19) VCF-style: chr1-22154859-C-T.
Other names: c.12301G>A, p.Gly4101Arg (NM_001291860.2); short protein forms G4101R, G4100R.
Identifiers: ClinVar variation 1521352 (VCV001521352.5), dbSNP rs753218269, ClinGen allele CA669465.